The following is an entry in ClinVar:

ClinVar aggregate classification (germline): Uncertain significance (1 of 4 stars; one submission).

Conditions:
Familial cancer of breast. Also called: Hereditary breast cancer; BREAST CANCER, FAMILIAL; hereditary breast carcinoma. Identifiers: Orphanet 227535, MedGen C0346153, MONDO:0016419, OMIM 114480. Disease mechanism: loss of function.

Submission:

Labcorp Genetics (formerly Invitae), Labcorp
Classification: Uncertain significance for Familial cancer of breast. Last evaluated: 2022-02-14. Review status: criteria provided, single submitter. Criteria: Invitae Variant Classification Sherloc (09022015). Collection method: clinical testing. Allele origin: germline.
Comment: This sequence change replaces proline, which is neutral and non-polar, with threonine, which is neutral and polar, at codon 213 of the CHEK2 protein (p.Pro213Thr). This variant is not present in population databases (gnomAD no frequency). This variant has not been reported in the literature in individuals affected with CHEK2-related conditions. Algorithms developed to predict the effect of missense changes on protein structure and function are either unavailable or do not agree on the potential impact of this missense change (SIFT: "Deleterious"; PolyPhen-2: "Probably Damaging"; Align-GVGD: "Class C0"). In summary, the available evidence is currently insufficient to determine the role of this variant in disease. Therefore, it has been classified as a Variant of Uncertain Significance.

NM_007194.4(CHEK2):c.637C>A (p.Pro213Thr)

Gene: CHEK2 (checkpoint kinase 2; minus strand). Cytogenetic location: 22q12.1.
Variant type: single nucleotide variant.
Coding change: c.637C>A on transcript NM_007194.4 (MANE Select); coding-DNA position 637, C replaced by A.
Protein change: p.Pro213Thr; replaces proline 213 with threonine.
Molecular consequence: missense variant. On other transcripts: 5 prime UTR variant (2), intron variant (1).
Genome position (GRCh38, 1-based): chr22:28,719,441, G>T on the plus strand (C>A on the coding strand, the complement: CHEK2 is on the minus strand). VCF-style: chr22-28719441-G-T. GRCh37 (hg19) VCF-style: chr22-29115429-G-T.
Other names: c.766C>A, p.Pro256Thr (NM_001005735.3, NM_001438294.1); c.-27C>A (NM_001257387.3, NM_001437942.1); c.730C>A, p.Pro244Thr (NM_001438293.1, NM_001438295.1); c.637C>A, p.Pro213Thr (NM_145862.3); c.482+5445C>A (NM_001349956.3); short protein forms P256T, P213T, P244T.
Identifiers: ClinVar variation 2096202 (VCV002096202.4), dbSNP rs2146006207, ClinGen allele CA411105022.
Genomic context (GRCh38, chr22:28,719,441, plus strand): 5'-AGAAAATAATTTACCTTCCAAGAGTTTTTGACATGATGTATTCATCTCTTAATGCCTTAG[G>T]ATAAACTGACTGATCATCTACAGTCAGATCAAAAAAGACAAAAACTAAGGAAGAAAAGAG-3'
Protein context (NP_009125.1, residues 203-223): DLTVDDQSVY[Pro213Thr]KALRDEYIMS